The following is an entry in ClinVar:

NM_024675.4(PALB2):c.1539A>T (p.Thr513=)

Gene: PALB2 (partner and localizer of BRCA2; minus strand). Cytogenetic location: 16p12.2.
Variant type: single nucleotide variant.
Coding change: c.1539A>T on transcript NM_024675.4 (MANE Select); coding-DNA position 1539, A replaced by T.
Protein change: p.Thr513=; no amino-acid change (threonine 513 retained).
Molecular consequence: synonymous variant.
Genome position (GRCh38, 1-based): chr16:23,635,007, T>A on the plus strand (A>T on the coding strand, the complement: PALB2 is on the minus strand). VCF-style: chr16-23635007-T-A. GRCh37 (hg19) VCF-style: chr16-23646328-T-A.
Identifiers: ClinVar variation 186465 (VCV000186465.11), dbSNP rs786202974, ClinGen allele CA194900.

ClinVar aggregate classification (germline): Benign/Likely benign. Review status: criteria provided, multiple submitters, no conflicts (2 of 4 stars). 3 submissions from 3 submitters: Benign (1); Likely benign (2). Last evaluated 2025-01-14.

Conditions:
Hereditary cancer-predisposing syndrome. Also called: Neoplastic Syndromes, Hereditary; Tumor predisposition; Hereditary Cancer Syndrome; Hereditary neoplastic syndrome. Identifiers: Orphanet 140162, MedGen C0027672, MeSH D009386, MONDO:0015356.
Familial cancer of breast. Also called: BREAST CANCER, FAMILIAL; Hereditary breast cancer; hereditary breast carcinoma. Identifiers: Orphanet 227535, MedGen C0346153, MONDO:0016419, OMIM 114480. Disease mechanism: loss of function.

Submissions (3):

Myriad Genetics, Inc.
Classification: Benign for Familial cancer of breast. Last evaluated: 2025-01-14. Review status: criteria provided, single submitter. Criteria: Myriad Autosomal Dominant, Autosomal Recessive and X-Linked Classification Criteria (2023). Collection method: clinical testing. Allele origin: unknown.
Comment: This variant is considered benign. This variant is a silent/synonymous amino acid change and it is not expected to impact splicing.

Labcorp Genetics (formerly Invitae), Labcorp
Classification: Likely benign for Familial cancer of breast. Last evaluated: 2022-02-04. Review status: criteria provided, single submitter. Criteria: Invitae Variant Classification Sherloc (09022015). Collection method: clinical testing. Allele origin: germline.

Ambry Genetics
Classification: Likely benign for Hereditary cancer-predisposing syndrome. Last evaluated: 2014-10-08. Review status: criteria provided, single submitter. Criteria: Ambry Variant Classification Scheme 2023. Collection method: clinical testing. Allele origin: germline.